The following is an entry in ClinVar:

NM_007194.4(CHEK2):c.497A>G (p.Asn166Ser)

Gene: CHEK2 (checkpoint kinase 2; minus strand). Cytogenetic location: 22q12.1.
Variant type: single nucleotide variant.
Coding change: c.497A>G on transcript NM_007194.4 (MANE Select); coding-DNA position 497, A replaced by G.
Protein change: p.Asn166Ser; replaces asparagine 166 with serine.
Molecular consequence: missense variant. On other transcripts: 5 prime UTR variant (2), intron variant (1).
Genome position (GRCh38, 1-based): chr22:28,725,072, T>C on the plus strand (A>G on the coding strand, the complement: CHEK2 is on the minus strand). VCF-style: chr22-28725072-T-C. GRCh37 (hg19) VCF-style: chr22-29121060-T-C.
Other names: c.626A>G (NM_001005735.2); c.626A>G, p.Asn209Ser (NM_001005735.3, NM_001438294.1); c.-281A>G (NM_001257387.3); c.-167A>G (NM_001437942.1); c.590A>G, p.Asn197Ser (NM_001438293.1, NM_001438295.1); c.497A>G, p.Asn166Ser (NM_145862.3); c.445-149A>G (NM_001349956.3); short protein forms N166S, N209S, N197S.
Identifiers: ClinVar variation 142371 (VCV000142371.54), dbSNP rs587782413, ClinGen allele CA168184.

ClinVar aggregate classification (germline): Conflicting classifications of pathogenicity. Review status: criteria provided, conflicting classifications (1 of 4 stars). 10 submissions from 10 submitters: Pathogenic (1); Likely pathogenic (1); Uncertain significance (7). 1 of the submissions does not count toward it. Last evaluated 2025-11-05.

Conditions:
CHEK2-related disorder.
Hereditary cancer-predisposing syndrome. Also called: Tumor predisposition; Hereditary neoplastic syndrome; Hereditary Cancer Syndrome; Neoplastic Syndromes, Hereditary. Identifiers: Orphanet 140162, MedGen C0027672, MeSH D009386, MONDO:0015356.
Hereditary breast ovarian cancer syndrome. Also called: Hereditary breast and ovarian cancer; Hereditary breast and/or ovarian cancer syndrome; BRCA1- and BRCA2-Associated Hereditary Breast and Ovarian Cancer; Hereditary breast and ovarian cancer syndrome (HBOC); Hereditary breast and ovarian cancer syndrome; Breast and ovarian cancer. Identifiers: Orphanet 145, MedGen C0677776, MeSH D061325, MONDO:0003582. Disease mechanism: loss of function.
CHEK2-related cancer predisposition (TPDS4). Also called: TUMOR PREDISPOSITION SYNDROME 4; CANCER PREDISPOSITION SYNDROME, CHEK2-RELATED; CHEK2-related cancer susceptibility. Identifiers: Orphanet 524, MedGen C5882668, MONDO:0700271, OMIM 609265.
Familial cancer of breast. Also called: Hereditary breast cancer; hereditary breast carcinoma; BREAST CANCER, FAMILIAL. Identifiers: Orphanet 227535, MedGen C0346153, MONDO:0016419, OMIM 114480. Disease mechanism: loss of function.

Allele frequency attached by ClinVar (database versions not stated): gnomAD exomes below 0.00001; TOPMed below 0.00001; gnomAD 0.00001.
gnomAD v4.1: 2 of 1,614,062 alleles (0.00012%); highest among the groups gnomAD compares: Non-Finnish European, 0.00017%; no homozygotes.

Submissions (10):

Labcorp Genetics (formerly Invitae), Labcorp
Classification: Uncertain significance for Familial cancer of breast. Last evaluated: 2025-11-05. Review status: criteria provided, single submitter. Criteria: Invitae Variant Classification Sherloc (09022015). Collection method: clinical testing. Allele origin: germline.
Comment: This sequence change replaces asparagine, which is neutral and polar, with serine, which is neutral and polar, at codon 166 of the CHEK2 protein (p.Asn166Ser). This variant is not present in population databases (gnomAD no frequency). This missense change has been observed in individual(s) with breast cancer, acute lymphoblastic leukemia (PMID: 29522266, 34771502). ClinVar contains an entry for this variant (Variation ID: 142371). An algorithm developed to predict the effect of missense changes on protein structure and function (PolyPhen-2) suggests that this variant is likely to be disruptive. Experimental studies have shown that this missense change affects CHEK2 function (PMID: 30851065, 37449874). In summary, the available evidence is currently insufficient to determine the role of this variant in disease. Therefore, it has been classified as a Variant of Uncertain Significance.

Institute for Biomarker Research, Medical Diagnostic Laboratories, L.L.C.
Classification: Uncertain significance for Hereditary cancer-predisposing syndrome. Last evaluated: 2025-09-30. Review status: criteria provided, single submitter. Criteria: ACMG Guidelines, 2015. Collection method: clinical testing. Allele origin: germline.
Comment: The missense variant NM_001005735.2(CHEK2):c.626A>G (p.Asn209Ser) has not been reported previously as a pathogenic variant nor as a benign variant, to our knowledge. There is a small physicochemical difference between asparagine and serine, which is not likely to impact secondary protein structure as these residues share similar properties. 5 variants within 6 amino acid positions of the variant p.Asn209Ser have been shown to be pathogenic, while none have been shown to be benign. For these reasons, this variant has been classified as Uncertain Significance.

Variantyx, Inc.
Classification: Pathogenic for CHEK2-related cancer predisposition. Last evaluated: 2025-06-11. Review status: criteria provided, single submitter. Criteria: Variantyx Assertion Criteria 2022. Collection method: clinical testing. Allele origin: germline. Inheritance: Autosomal dominant inheritance. Affected: yes.
Comment: This is a nonsynonymous variant in the CHEK2 gene (OMIM: 604373). Pathogenic variants in this gene have been associated with autosomal dominant tumor predisposition syndrome 4 with increased susceptibility to breast, colorectal, and prostate carcinoma. The variant lies within the FHA domain of CHEK2. It is a rare alteration that has been previously identified in familial breast carcinoma [PMID:31398194; 29522266]. Functional studies have shown that this variant results in DNA damage response deficiency (PMID: 37449874, 30851065) (PS3_Very_Strong), and multiple computational algorithms predict a deleterious effect for this variant (REVEL score: 0.821) (PP3). This variant has a 0.0005% maximum allele frequency in non-founder control populations (PM2). Based on the current evidence, this variant is classified as pathogenic for autosomal dominant tumor predisposition syndrome 4 with increased susceptibility to breast, colorectal, and prostate carcinoma.

Ambry Genetics
Classification: Uncertain significance for Hereditary cancer-predisposing syndrome. Last evaluated: 2025-03-27. Review status: criteria provided, single submitter. Criteria: Ambry Variant Classification Scheme 2023. Collection method: clinical testing. Allele origin: germline.
Comment: The p.N166S variant (also known as c.497A>G), located in coding exon 3 of the CHEK2 gene, results from an A to G substitution at nucleotide position 497. The asparagine at codon 166 is replaced by serine, an amino acid with highly similar properties. In one study, this variant was detected in 1/5589 German BRCA1/2-negative probands with breast cancer (Hauke J et al. Cancer Med, 2018 Apr;7:1349-1358). In another study, this variant was reported in 4/60,466 breast cancer cases and in 0/53,461 controls (Dorling et al. N Engl J Med. 2021 02;384:428-439). This variant was reported as functionally impaired in a study assessing CHEK2-complementation through quantification of KAP1 phosphorylation and CHK2 autophosphorylation in human RPE1-CHEK2-knockout cells (Stolarova L et al. Clin Cancer Res, 2023 Aug;29:3037-3050). This amino acid position is highly conserved in available vertebrate species. In addition, the in silico prediction for this alteration is inconclusive. Based on the available evidence, the clinical significance of this variant remains unclear.

German Consortium for Hereditary Breast and Ovarian Cancer, University Hospital Cologne
Classification: Likely pathogenic for Hereditary breast ovarian cancer syndrome. Last evaluated: 2025-02-18. Review status: criteria provided, single submitter. Criteria: ACMG Guidelines, 2015. Collection method: curation. Allele origin: germline.
Comment: According to the ACMG SVI adaptation criteria we chose these criteria: PS3 (strong pathogenic): damaging by Storalova PMID: 37449874 & Delimitsou PMID: 30851065, PM2 (supporting pathogenic): 1x in GnomAD v3.1.2 non-cancer, 2x in GnomAD v4.1.0 , PP3 (supporting pathogenic): REVEL: 0.821

Quest Diagnostics Nichols Institute San Juan Capistrano
Classification: Uncertain significance. Last evaluated: 2023-07-25. Review status: criteria provided, single submitter. Criteria: Quest Diagnostics criteria. Collection method: clinical testing. Allele origin: unknown.
Comment: In the published literature, this variant has been reported in an individuals with pediatric cancer (PMID: 34771502 (2021)), and breast cancer (PMID: 33471991 (2021),29522266 (2018), see also LOVD). Additionally, a functional study suggests that the variant is not damaging to CHEK2 protein expression or function (PMID: 30851065 (2019)). The frequency of this variant in the general population, 0.0000066 (1/152234 chromosomes (Genome Aggregation Database)), is uninformative in the assessment of its pathogenicity. Analysis of this variant using bioinformatics tools for the prediction of the effect of amino acid changes on protein structure and function yielded predictions that this variant is damaging. Based on the available information, we are unable to determine the clinical significance of this variant.

GeneDx
Classification: Uncertain significance. Last evaluated: 2022-12-15. Review status: criteria provided, single submitter. Criteria: GeneDx Variant Classification Process June 2021. Collection method: clinical testing. Allele origin: germline. Affected: yes.
Comment: Not observed at significant frequency in large population cohorts (gnomAD); In silico analysis supports that this missense variant has a deleterious effect on protein structure/function; Published functional studies demonstrate reduced DNA damage response in a yeast-based assay (Delimitsou et al., 2019); This variant is associated with the following publications: (PMID: 22419737, 19782031, 30851065, 34771502)

CeGaT Center for Human Genetics Tuebingen
Classification: Uncertain significance. Last evaluated: 2022-05-01. Review status: criteria provided, single submitter. Criteria: CeGaT Center For Human Genetics Tuebingen Variant Classification Criteria Version 2. Collection method: clinical testing. Allele origin: germline. Affected: yes. Observed: 1 variant allele.
Comment: CHEK2: PM2, PS3:Supporting

Color Diagnostics, LLC DBA Color Health
Classification: Uncertain significance for Hereditary cancer-predisposing syndrome. Last evaluated: 2021-12-13. Review status: criteria provided, single submitter. Criteria: ACMG Guidelines, 2015. Collection method: clinical testing. Allele origin: germline.
Comment: This missense variant replaces asparagine with serine at codon 166 of the CHEK2 protein. Computational prediction suggests that this variant may have deleterious impact on protein structure and function (internally defined REVEL score threshold >= 0.7, PMID: 27666373). A functional study has shown this variant to damaging to the DNA damage repair activity of CHEK2 protein in a yeast assay (PMID: 30851065). This variant has not been identified in the general population by the Genome Aggregation Database (gnomAD). The available evidence is insufficient to determine the role of this variant in disease conclusively. Therefore, this variant is classified as a Variant of Uncertain Significance.

PreventionGenetics, part of Exact Sciences
Classification: Uncertain significance for CHEK2-related condition. Last evaluated: 2024-07-30. Review status: no assertion criteria provided. Collection method: clinical testing. Allele origin: germline. Not counted in ClinVar's aggregate classification.
Comment: The CHEK2 c.497A>G variant is predicted to result in the amino acid substitution p.Asn166Ser. This variant has been reported in individuals with breast cancer (Table S2, Hauke et al. 2018. PubMed ID: 29522266; Supplemental Data, Breast Cancer Association Consortium et al. 2021. PubMed ID: 33471991) and pediatric cancer (Gargallo et al. 2021. PubMed ID: 34771502). Experimental studies have shown that this missense change affects CHEK2 function demonstrating reduced DNA damage response in a yeast-based assay (Tables S1-3 and Figure S2, Delimitsou et al. 2019. PubMed ID: 30851065). To our knowledge, this variant has not been reported in the literature or in a large population database, indicating this variant is rare. This variant is interpreted as a variant of uncertain significance in ClinVar. At this time, the clinical significance of this variant is uncertain due to the absence of conclusive functional and genetic evidence.

Literature cited by the submitters: PubMed 29522266 (cited by 3 submitters); PubMed 34771502 (cited by 3 submitters); PubMed 30851065 (cited by 4 submitters); PubMed 37449874 (cited by 3 submitters); PubMed 33471991 (cited by Ambry Genetics and Quest Diagnostics Nichols Institute San Juan Capistrano).